The following is an entry in ClinVar:

NC_000014.8:g.(?_58924457)_(58927898_?)del

Gene: KIAA0586 (KIAA0586; plus strand). Cytogenetic location: 14q23.1.
Variant type: Deletion.
Identifiers: ClinVar variation 3244036 (VCV003244036.1).

ClinVar aggregate classification (germline): Pathogenic (1 of 4 stars; one submission).

Conditions:
Short-rib thoracic dysplasia 14 with polydactyly (SRTD14). Identifiers: Orphanet 397715, MedGen C4225286, MONDO:0014688, OMIM 616546.
Joubert syndrome 23 (JBTS23). Identifiers: Orphanet 475, MedGen C4084822, MONDO:0014664, OMIM 616490.

Submission:

Labcorp Genetics (formerly Invitae), Labcorp
Classification: Pathogenic for Joubert syndrome 23; Short-rib thoracic dysplasia 14 with polydactyly. Last evaluated: 2023-08-30. Review status: criteria provided, single submitter. Criteria: Invitae Variant Classification Sherloc (09022015). Collection method: clinical testing. Allele origin: unknown.
Comment: This variant is a gross deletion of the genomic region encompassing exon(s) 13-16 of the KIAA0586 gene. This deletion is out-of-frame, and is expected to create a premature termination codon and result in an absent or disrupted protein product. Loss-of-function variants in KIAA0586 are known to be pathogenic (PMID: 26096313, 26166481, 26386044). This variant has not been reported in the literature in individuals affected with KIAA0586-related conditions. Experimental studies and prediction algorithms are not available or were not evaluated, and the functional significance of this variant is currently unknown. For these reasons, this variant has been classified as Pathogenic.

Literature cited by the submitters: PubMed 26096313; PubMed 26166481; PubMed 26386044.